The following is an entry in ClinVar:

ClinVar aggregate classification (germline): Likely benign. Review status: criteria provided, multiple submitters, no conflicts (2 of 4 stars). 4 submissions from 4 submitters: Likely benign (4). Last evaluated 2025-11-16.

Conditions:
Hereditary cancer-predisposing syndrome. Also called: Tumor predisposition; Hereditary Cancer Syndrome; Hereditary neoplastic syndrome; Neoplastic Syndromes, Hereditary. Identifiers: Orphanet 140162, MedGen C0027672, MeSH D009386, MONDO:0015356.
Microcephaly, normal intelligence and immunodeficiency (NBS). Also called: IMMUNODEFICIENCY, MICROCEPHALY, AND CHROMOSOMAL INSTABILITY; SEEMANOVA SYNDROME II; Nijmegen breakage syndrome; Microcephaly with normal intelligence immunodeficiency and lymphoreticular malignancies; Nonsyndromal microcephaly autosomal recessive with normal intelligence; Seemanova syndrome 2. Identifiers: Orphanet 647, MedGen C0398791, MONDO:0009623, OMIM 251260.

Allele frequency attached by ClinVar (database versions not stated): gnomAD exomes 0.00001.
gnomAD v4.1: 4 of 1,613,824 alleles (0.00025%); highest among the groups gnomAD compares: Non-Finnish European, 0.00034%; no homozygotes.

Submissions (4):

Labcorp Genetics (formerly Invitae), Labcorp
Classification: Likely benign for Microcephaly, normal intelligence and immunodeficiency. Last evaluated: 2025-11-16. Review status: criteria provided, single submitter. Criteria: Invitae Variant Classification Sherloc (09022015). Collection method: clinical testing. Allele origin: germline.

ARUP Laboratories, Molecular Genetics and Genomics, ARUP Laboratories
Classification: Likely benign. Last evaluated: 2020-12-08. Review status: criteria provided, single submitter. Criteria: ARUP Molecular Germline Variant Investigation Process 2021. Collection method: clinical testing. Allele origin: germline.

GeneDx
Classification: Likely benign. Last evaluated: 2016-11-11. Review status: criteria provided, single submitter. Criteria: GeneDx Variant Classification (06012015). Collection method: clinical testing. Allele origin: germline. Affected: yes.
Comment: This variant is considered likely benign or benign based on one or more of the following criteria: it is a conservative change, it occurs at a poorly conserved position in the protein, it is predicted to be benign by multiple in silico algorithms, and/or has population frequency not consistent with disease.

Ambry Genetics
Classification: Likely benign for Hereditary cancer-predisposing syndrome. Last evaluated: 2016-06-15. Review status: criteria provided, single submitter. Criteria: Ambry Variant Classification Scheme 2023. Collection method: clinical testing. Allele origin: germline.

NM_002485.5(NBN):c.1008A>T (p.Thr336=)

Gene: NBN (nibrin; minus strand). Cytogenetic location: 8q21.3.
Variant type: single nucleotide variant.
Coding change: c.1008A>T on transcript NM_002485.5 (MANE Select); coding-DNA position 1008, A replaced by T.
Protein change: p.Thr336=; no amino-acid change (threonine 336 retained).
Molecular consequence: synonymous variant.
Genome position (GRCh38, 1-based): chr8:89,958,841, T>A on the plus strand (A>T on the coding strand, the complement: NBN is on the minus strand). VCF-style: chr8-89958841-T-A. GRCh37 (hg19) VCF-style: chr8-90971069-T-A.
Other names: c.762A>T, p.Thr254= (NM_001024688.3).
Identifiers: ClinVar variation 184687 (VCV000184687.24), dbSNP rs786201619, ClinGen allele CA189702.